The following is an entry in ClinVar:

ClinVar aggregate classification (germline): Uncertain significance. Review status: criteria provided, multiple submitters, no conflicts (2 of 4 stars). 2 submissions from 2 submitters: Uncertain significance (2). Last evaluated 2024-03-26.

Conditions:
Inborn genetic diseases. Identifiers: MedGen C0950123, MeSH D030342.

Allele frequency attached by ClinVar (database versions not stated): TOPMed 0.00018; 1000 Genomes Project 0.00020; gnomAD 0.00028; 1000 Genomes Project 30x 0.00031; ESP Exome Variant Server 0.00031.
gnomAD v4.1: 673 of 1,609,862 alleles (0.042%); highest among the groups gnomAD compares: Non-Finnish European, 0.055%; no homozygotes.

Submissions (2):

GeneDx
Classification: Uncertain significance. Last evaluated: 2024-03-26. Review status: criteria provided, single submitter. Criteria: GeneDx Variant Classification Process June 2021. Collection method: clinical testing. Allele origin: germline. Affected: yes.
Comment: In silico analysis supports that this missense variant has a deleterious effect on protein structure/function; Has not been previously published as pathogenic or benign to our knowledge

Ambry Genetics
Classification: Uncertain significance for Inborn genetic diseases. Last evaluated: 2021-10-06. Review status: criteria provided, single submitter. Criteria: Ambry Variant Classification Scheme 2023. Collection method: clinical testing. Allele origin: germline.

NM_024063.3(AFG2B):c.998G>T (p.Ser333Ile)

Gene: AFG2B (AFG2 AAA ATPase homolog B; plus strand). Cytogenetic location: 15q21.1.
Variant type: single nucleotide variant.
Coding change: c.998G>T on transcript NM_024063.3 (MANE Select); coding-DNA position 998, G replaced by T.
Protein change: p.Ser333Ile; replaces serine 333 with isoleucine.
Molecular consequence: missense variant. On other transcripts: non-coding transcript variant (5).
Genome position (GRCh38, 1-based): chr15:45,403,427, G>T. VCF-style: chr15-45403427-G-T. GRCh37 (hg19) VCF-style: chr15-45695625-G-T.
Other names: c.998G>T, p.Ser333Ile (NM_001323640.2); short protein forms S333I.
Identifiers: ClinVar variation 2347357 (VCV002347357.4), dbSNP rs78045939, ClinGen allele CA7543264.